The following is an entry in ClinVar:

NM_021096.4(CACNA1I):c.5518A>G (p.Lys1840Glu)

Gene: CACNA1I (calcium voltage-gated channel subunit alpha1 I; plus strand). Cytogenetic location: 22q13.1.
Variant type: single nucleotide variant.
Coding change: c.5518A>G on transcript NM_021096.4 (MANE Select); coding-DNA position 5518, A replaced by G.
Protein change: p.Lys1840Glu; replaces lysine 1840 with glutamic acid.
Molecular consequence: missense variant.
Genome position (GRCh38, 1-based): chr22:39,679,845, A>G. VCF-style: chr22-39679845-A-G. GRCh37 (hg19) VCF-style: chr22-40075850-A-G.
Other names: c.5413A>G, p.Lys1805Glu (NM_001003406.2); short protein forms K1805E, K1840E.
Identifiers: ClinVar variation 3765691 (VCV003765691.1).

ClinVar aggregate classification (germline): Uncertain significance (1 of 4 stars; one submission).

Submission:

Greenwood Genetic Center Diagnostic Laboratories, Greenwood Genetic Center
Classification: Uncertain significance. Last evaluated: 2024-10-03. Review status: criteria provided, single submitter. Criteria: ACMG Guidelines, 2015. Collection method: clinical testing. Allele origin: germline. Affected: yes.
Comment: PM2, BP4, PP2